The following is an entry in ClinVar:

NM_000071.3(CBS):c.1223+64A>G

Gene: CBS (cystathionine beta-synthase; minus strand). Cytogenetic location: 21q22.3.
Variant type: single nucleotide variant.
Coding change: c.1223+64A>G on transcript NM_000071.3 (MANE Select); 64 bases into the intron after coding-DNA position 1223, A replaced by G.
Molecular consequence: intron variant.
Genome position (GRCh38, 1-based): chr21:43,059,162, T>C on the plus strand (A>G on the coding strand, the complement: CBS is on the minus strand). VCF-style: chr21-43059162-T-C. GRCh37 (hg19) VCF-style: chr21-44479272-T-C.
Other names: c.1223+64A>G (NM_001320298.2, NM_001178009.3, NM_001178008.3); c.908+64A>G (NM_001321072.1).
Identifiers: ClinVar variation 3030731 (VCV003030731.2), dbSNP rs562294578, ClinGen allele CA321688383.

ClinVar aggregate classification (germline): Likely benign (0 of 4 stars; one submission).

Conditions:
CBS-related disorder. Also called: CBS-related condition.

Allele frequency attached by ClinVar (database versions not stated): 1000 Genomes Project 0.00060.

Submission:

PreventionGenetics, part of Exact Sciences
Classification: Likely benign for CBS-related condition. Last evaluated: 2023-10-25. Review status: no assertion criteria provided. Collection method: clinical testing. Allele origin: germline.
Comment: This variant is classified as likely benign based on ACMG/AMP sequence variant interpretation guidelines (Richards et al. 2015 PMID: 25741868, with internal and published modifications).